The following is an entry in ClinVar:

ClinVar aggregate classification (germline): Uncertain significance (1 of 4 stars; one submission).

Allele frequency attached by ClinVar (database versions not stated): gnomAD exomes 0.00002 and 0.00003; gnomAD 0.00003 and 0.00004; TOPMed 0.00003; ExAC 0.00004.
gnomAD v4.1: 46 of 1,613,342 alleles (0.0029%); highest among the groups gnomAD compares: South Asian, 0.011%; no homozygotes.

Submission:

Labcorp Genetics (formerly Invitae), Labcorp
Classification: Uncertain significance. Last evaluated: 2022-08-31. Review status: criteria provided, single submitter. Criteria: Invitae Variant Classification Sherloc (09022015). Collection method: clinical testing. Allele origin: germline.
Comment: This sequence change replaces glycine, which is neutral and non-polar, with serine, which is neutral and polar, at codon 97 of the DHX38 protein (p.Gly97Ser). This variant is present in population databases (rs781174952, gnomAD 0.01%). This variant has not been reported in the literature in individuals affected with DHX38-related conditions. ClinVar contains an entry for this variant (Variation ID: 963790). Algorithms developed to predict the effect of missense changes on protein structure and function output the following: SIFT: "Tolerated"; PolyPhen-2: "Benign"; Align-GVGD: "Class C0". The serine amino acid residue is found in multiple mammalian species, which suggests that this missense change does not adversely affect protein function. In summary, the available evidence is currently insufficient to determine the role of this variant in disease. Therefore, it has been classified as a Variant of Uncertain Significance.

NM_014003.4(DHX38):c.289G>A (p.Gly97Ser)

Gene: DHX38 (DEAH-box helicase 38; plus strand). Cytogenetic location: 16q22.2.
Variant type: single nucleotide variant.
Coding change: c.289G>A on transcript NM_014003.4 (MANE Select); coding-DNA position 289, G replaced by A.
Protein change: p.Gly97Ser; replaces glycine 97 with serine.
Molecular consequence: missense variant.
Genome position (GRCh38, 1-based): chr16:72,096,446, G>A. VCF-style: chr16-72096446-G-A. GRCh37 (hg19) VCF-style: chr16-72130345-G-A.
Other names: short protein forms G97S.
Identifiers: ClinVar variation 963790 (VCV000963790.7), dbSNP rs781174952, ClinGen allele CA8159904.